The following is an entry in ClinVar:

NM_133642.5(LARGE1):c.52C>T (p.Leu18Phe)

Gene: LARGE1 (LARGE xylosyl- and glucuronyltransferase 1; minus strand). Cytogenetic location: 22q12.3.
Variant type: single nucleotide variant.
Coding change: c.52C>T on transcript NM_133642.5 (MANE Select); coding-DNA position 52, C replaced by T.
Protein change: p.Leu18Phe; replaces leucine 18 with phenylalanine.
Molecular consequence: missense variant.
Genome position (GRCh38, 1-based): chr22:33,761,425, G>A on the plus strand (C>T on the coding strand, the complement: LARGE1 is on the minus strand). VCF-style: chr22-33761425-G-A. GRCh37 (hg19) VCF-style: chr22-34157412-G-A.
Other names: c.52C>T, p.Leu18Phe (NM_001362949.2, NM_001362951.2, NM_001362953.2 and 7 more transcripts); short protein forms L18F.
Identifiers: ClinVar variation 2145343 (VCV002145343.1), dbSNP rs1457282996, ClinGen allele CA411547233.
Genomic context (GRCh38, chr22:33,761,425, plus strand): 5'-TCTTACCTTCGAAGCTCCCAGAAAACAGGTAAATCCAGGTGATGGCTGGGATGCAGAGAA[G>A]ACTCAACGAGGCAGCCAAGAATTTCCGTCTCCCCCTGCAGATTCCCAGCATCCTCTCAGA-3'
Protein context (NP_598397.1, residues 8-28): RRKFLAASLS[Leu18Phe]LCIPAITWIY

ClinVar aggregate classification (germline): Uncertain significance (1 of 4 stars; one submission).

Conditions:
Muscular dystrophy-dystroglycanopathy type B6 (MDDGB6). Also called: MUSCULAR DYSTROPHY-DYSTROGLYCANOPATHY (CONGENITAL WITH IMPAIRED INTELLECTUAL DEVELOPMENT), TYPE B, 6; MUSCULAR DYSTROPHY, CONGENITAL, LARGE-RELATED; MUSCULAR DYSTROPHY, CONGENITAL, TYPE 1D. Identifiers: MedGen C1837229, MONDO:0012138, OMIM 608840.

Allele frequency attached by ClinVar (database versions not stated): TOPMed below 0.00001; gnomAD exomes 0.00001.
gnomAD v4.1: 12 of 1,614,000 alleles (0.00074%); highest among the groups gnomAD compares: Non-Finnish European, 0.001%; no homozygotes.

Submission:

Labcorp Genetics (formerly Invitae), Labcorp
Classification: Uncertain significance for Muscular dystrophy-dystroglycanopathy type B6. Last evaluated: 2022-07-11. Review status: criteria provided, single submitter. Criteria: Invitae Variant Classification Sherloc (09022015). Collection method: clinical testing. Allele origin: germline.
Comment: This sequence change replaces leucine, which is neutral and non-polar, with phenylalanine, which is neutral and non-polar, at codon 18 of the LARGE1 protein (p.Leu18Phe). This variant is present in population databases (no rsID available, gnomAD 0.0009%). This variant has not been reported in the literature in individuals affected with LARGE1-related conditions. Algorithms developed to predict the effect of missense changes on protein structure and function are either unavailable or do not agree on the potential impact of this missense change (SIFT: "Deleterious"; PolyPhen-2: "Benign"; Align-GVGD: "Class C0"). In summary, the available evidence is currently insufficient to determine the role of this variant in disease. Therefore, it has been classified as a Variant of Uncertain Significance.